The following is an entry in ClinVar:

ClinVar aggregate classification (germline): Conflicting classifications of pathogenicity. Review status: criteria provided, conflicting classifications (1 of 4 stars). 5 submissions from 5 submitters: Likely pathogenic (2); Uncertain significance (3). Last evaluated 2026-04-30.

Conditions:
Autosomal dominant nonsyndromic hearing loss 20. Identifiers: Orphanet 90635, MedGen C1858172, MONDO:0011480, OMIM 604717.
Baraitser-winter syndrome 2. Identifiers: Orphanet 2995, MedGen C3281235, MONDO:0013812, OMIM 614583.
Hearing impairment. Also called: Impaired Hearing. Identifiers: MedGen C1384666, MONDO:0005365, HP:0000365.

Allele frequency attached by ClinVar (database versions not stated): gnomAD exomes below 0.00001.

Submissions (5):

Laboratory of Molecular, Cellular and Translation Genetics in Otolaryngology/ Lim32-hcfmusp, University of Sao Paulo School of Medicine Clinics Hospital
Classification: Likely pathogenic for Autosomal dominant nonsyndromic hearing loss 20. Last evaluated: 2026-04-30. Review status: criteria provided, single submitter. Criteria: ACMG Guidelines, 2015. Collection method: research. Allele origin: germline. Affected: yes.
Comment: NM_001614.5:c.842C>G:p.(Ser281Cys). This variant has been classified as likely pathogenic. It is absent from population databases (PM2), and in silico prediction tools support a deleterious effect on protein function (PP3_moderate). These findings support the causative role of this variant in the affected family as described in PMID: 42233699.

GeneDx
Classification: Likely pathogenic. Last evaluated: 2024-10-03. Review status: criteria provided, single submitter. Criteria: GeneDx Variant Classification Process June 2021. Collection method: clinical testing. Allele origin: germline. Affected: yes.
Comment: Not observed at significant frequency in large population cohorts (gnomAD); In silico analysis supports that this missense variant has a deleterious effect on protein structure/function; Missense variants in this gene are a common cause of disease and they are underrepresented in the general population; Has not been previously published as pathogenic or benign to our knowledge

CeGaT Center for Human Genetics Tuebingen
Classification: Uncertain significance. Last evaluated: 2022-11-01. Review status: criteria provided, single submitter. Criteria: CeGaT Center For Human Genetics Tuebingen Variant Classification Criteria Version 2. Collection method: clinical testing. Allele origin: germline. Affected: yes. Observed: 1 variant allele.
Comment: ACTG1: PM2, PP2, PP3

Department of Otolaryngology – Head & Neck Surgery, Cochlear Implant Center
Classification: Uncertain significance for Hearing impairment. Last evaluated: 2021-04-12. Review status: criteria provided, single submitter. Criteria: ClinGen HL ACMG Specifications v1. Collection method: clinical testing. Allele origin: germline. Affected: yes.
Comment: PM2_Moderate, PP3_Supporting

Juno Genomics, Hangzhou Juno Genomics, Inc
Classification: Uncertain significance for Baraitser-winter syndrome 2; Autosomal dominant nonsyndromic hearing loss 20. Review status: criteria provided, single submitter. Criteria: ACMG Guidelines, 2015. Collection method: clinical testing. Allele origin: germline.
Comment: Absent from controls (or at extremely low frequency if recessive) in Genome Aggregation Database.;Missense variant in a gene that has a low rate of benign missense variation.;Multiple lines of computational evidence support a deleterious effect on the gene or gene product.

Literature cited by the submitters: PubMed 42233699 (cited by Laboratory of Molecular, Cellular and Translation Genetics in Otolaryngology/ Lim32-hcfmusp, University of Sao Paulo School of Medicine Clinics Hospital).

NM_001614.5(ACTG1):c.842C>G (p.Ser281Cys)

Gene: ACTG1 (actin gamma 1; minus strand). Cytogenetic location: 17q25.3.
Variant type: single nucleotide variant.
Coding change: c.842C>G on transcript NM_001614.5 (MANE Select); coding-DNA position 842, C replaced by G.
Protein change: p.Ser281Cys; replaces serine 281 with cysteine.
Molecular consequence: missense variant. On other transcripts: non-coding transcript variant (1).
Genome position (GRCh38, 1-based): chr17:81,511,069, G>C on the plus strand (C>G on the coding strand, the complement: ACTG1 is on the minus strand). VCF-style: chr17-81511069-G-C. GRCh37 (hg19) VCF-style: chr17-79478095-G-C.
Other names: c.842C>G, p.Ser281Cys (NM_001199954.3); c.842C>G (NM_001614.3); short protein forms S281C.
Identifiers: ClinVar variation 1065023 (VCV001065023.36), dbSNP rs2143775658, ClinGen allele CA401459355.